The following is an entry in ClinVar:

ClinVar aggregate classification (germline): Conflicting classifications of pathogenicity. Review status: criteria provided, conflicting classifications (1 of 4 stars). 3 submissions from 3 submitters: Likely pathogenic (1); Uncertain significance (2). Last evaluated 2023-09-30.

Conditions:
Tatton-Brown-Rahman overgrowth syndrome. Also called: Tall stature-intellectual disability-facial dysmorphism syndrome; Tatton-Brown-Rahman syndrome. Identifiers: Orphanet 404443, MedGen C4014545, MONDO:0014382, OMIM 615879.

Allele frequency attached by ClinVar (database versions not stated): gnomAD exomes 0.00001; gnomAD 0.00002; ExAC 0.00004; ESP Exome Variant Server 0.00008.
gnomAD v4.1: 23 of 1,614,058 alleles (0.0014%); highest among the groups gnomAD compares: Non-Finnish European, 0.0017%; no homozygotes.

Submissions (3):

Labcorp Genetics (formerly Invitae), Labcorp
Classification: Uncertain significance for Tatton-Brown-Rahman overgrowth syndrome. Last evaluated: 2023-09-30. Review status: criteria provided, single submitter. Criteria: Invitae Variant Classification Sherloc (09022015). Collection method: clinical testing. Allele origin: germline.
Comment: This sequence change replaces serine, which is neutral and polar, with cysteine, which is neutral and slightly polar, at codon 714 of the DNMT3A protein (p.Ser714Cys). The frequency data for this variant in the population databases is considered unreliable, as metrics indicate poor data quality at this position in the gnomAD database. This missense change has been observed in individual(s) with clinical features of Tatton-Brown-Rahman syndrome (PMID: 28475857, 32860008). ClinVar contains an entry for this variant (Variation ID: 546858). Advanced modeling of protein sequence and biophysical properties (such as structural, functional, and spatial information, amino acid conservation, physicochemical variation, residue mobility, and thermodynamic stability) performed at Invitae indicates that this missense variant is not expected to disrupt DNMT3A protein function. Experimental studies have shown that this missense change affects DNMT3A function (PMID: 30705090, 31861499). In summary, the available evidence is currently insufficient to determine the role of this variant in disease. Therefore, it has been classified as a Variant of Uncertain Significance.

CeGaT Center for Human Genetics Tuebingen
Classification: Uncertain significance. Last evaluated: 2017-12-01. Review status: criteria provided, single submitter. Criteria: CeGaT Center For Human Genetics Tuebingen Variant Classification Criteria Version 2. Collection method: clinical testing. Allele origin: germline. Affected: yes. Observed: 2 variant alleles.

CENTOGENE GmbH and LLC - Guiding Precision Medicine
Classification: Likely pathogenic for Tatton-Brown-Rahman overgrowth syndrome. Review status: criteria provided, single submitter. Criteria: ACMG Guidelines, 2015. Collection method: clinical testing. Allele origin: de novo. Affected: yes.

Literature cited by the submitters: PubMed 28475857 (cited by Labcorp Genetics (formerly Invitae), Labcorp); PubMed 32860008 (cited by Labcorp Genetics (formerly Invitae), Labcorp and CENTOGENE GmbH and LLC - Guiding Precision Medicine); PubMed 30705090 (cited by Labcorp Genetics (formerly Invitae), Labcorp); PubMed 31861499 (cited by Labcorp Genetics (formerly Invitae), Labcorp).

NM_022552.5(DNMT3A):c.2141C>G (p.Ser714Cys)

Gene: DNMT3A (DNA methyltransferase 3 alpha; minus strand). Cytogenetic location: 2p23.3.
Variant type: single nucleotide variant.
Coding change: c.2141C>G on transcript NM_022552.5 (MANE Select); coding-DNA position 2141, C replaced by G.
Protein change: p.Ser714Cys; replaces serine 714 with cysteine.
Molecular consequence: missense variant. On other transcripts: non-coding transcript variant (1).
Genome position (GRCh38, 1-based): chr2:25,240,672, G>C on the plus strand (C>G on the coding strand, the complement: DNMT3A is on the minus strand). VCF-style: chr2-25240672-G-C. GRCh37 (hg19) VCF-style: chr2-25463541-G-C.
Other names: c.1685C>G, p.Ser562Cys (NM_001320893.1); c.1472C>G, p.Ser491Cys (NM_001375819.1); c.1574C>G, p.Ser525Cys (NM_153759.3); c.2141C>G, p.Ser714Cys (NM_175629.2); short protein forms S525C, S714C, S562C, S491C.
Identifiers: ClinVar variation 546858 (VCV000546858.47), dbSNP rs367909007, ClinGen allele CA1555737.
Genomic context (GRCh38, chr2:25,240,672, plus strand): 5'-AAGGTGGAGGGGACAGGATGGTACCTACCGTAGAGGCCCTTGCGAGCAGGGTTGACGATG[G>C]AGAGGTCATTGCAGGGACTGCCCCCAATCACCAGATCGAATGGGCCCCACTCCTGGATCT-3'
Protein context (NP_072046.2, residues 704-724): VIGGSPCNDL[Ser714Cys]IVNPARKGLY